The following is an entry in ClinVar:

NM_001142864.4(PIEZO1):c.3531G>A (p.Thr1177=)

Gene: PIEZO1 (piezo type mechanosensitive ion channel component 1 (Er blood group); minus strand). Cytogenetic location: 16q24.3.
Variant type: single nucleotide variant.
Coding change: c.3531G>A on transcript NM_001142864.4 (MANE Select); coding-DNA position 3531, G replaced by A.
Protein change: p.Thr1177=; no amino-acid change (threonine 1177 retained).
Molecular consequence: synonymous variant.
Genome position (GRCh38, 1-based): chr16:88,726,883, C>T on the plus strand (G>A on the coding strand, the complement: PIEZO1 is on the minus strand). VCF-style: chr16-88726883-C-T. GRCh37 (hg19) VCF-style: chr16-88793291-C-T.
Identifiers: ClinVar variation 4875027 (VCV004875027.2).

ClinVar aggregate classification (germline): Uncertain significance (1 of 4 stars; one submission).

gnomAD v4.1: 23 of 1,550,284 alleles (0.0015%); highest among the groups gnomAD compares: South Asian, 0.0036%; no homozygotes.

Submission:

CeGaT Center for Human Genetics Tuebingen
Classification: Uncertain significance. Last evaluated: 2026-05-01. Review status: criteria provided, single submitter. Criteria: CeGaT Center For Human Genetics Tuebingen Variant Classification Criteria Version 2. Collection method: clinical testing. Allele origin: germline. Affected: yes. Observed: 1 variant allele.
Comment: PIEZO1: PM2, PP3